The following is an entry in ClinVar:

ClinVar aggregate classification (germline): Uncertain significance. Review status: criteria provided, multiple submitters, no conflicts (2 of 4 stars). 2 submissions from 2 submitters: Uncertain significance (2). Last evaluated 2023-05-16.

Conditions:
Ehlers-Danlos syndrome, type 4 (EDSVASC). Also called: Ehlers-Danlos syndrome vascular type; Ehlers Danlos syndrome, ecchymotic type; Ehlers Danlos syndrome, arterial type; Ehlers Danlos syndrome, Sack-Barabas type; Ehlers-Danlos Syndrome Type IV. Identifiers: Orphanet 286, MedGen C0268338, MONDO:0017314, OMIM 130050.

Allele frequency attached by ClinVar (database versions not stated): gnomAD exomes below 0.00001 and 0.00001.
gnomAD v4.1: 5 of 1,613,874 alleles (0.00031%); highest among the groups gnomAD compares: Non-Finnish European, 0.00042%; no homozygotes.

Submissions (2):

All of Us Research Program, National Institutes of Health
Classification: Uncertain significance for Ehlers-Danlos syndrome, type 4. Last evaluated: 2023-05-16. Review status: criteria provided, single submitter. Criteria: ACMG Guidelines, 2015. Collection method: clinical testing. Allele origin: germline. Inheritance: Autosomal dominant inheritance. Observed: 1 variant allele, 1 heterozygote.
Comment: This missense variant replaces proline with arginine at codon 301 of the COL3A1 protein. Computational prediction suggests that this variant may have deleterious impact on protein structure and function (internally defined REVEL score threshold >= 0.7, PMID: 27666373). To our knowledge, functional studies have not been reported for this variant. This variant has not been reported in individuals affected with COL3A1-related disorders in the literature. This variant has been identified in 3/251284 chromosomes in the general population by the Genome Aggregation Database (gnomAD). The available evidence is insufficient to determine the role of this variant in disease conclusively. Therefore, this variant is classified as a Variant of Uncertain Significance.

This study involves interpretation of variants in research participants for the purpose of population health screening. Participant phenotype was not available at the time of variant classification. Additional details can be found in publication PMID: 35346344, PMCID: PMC8962531

Labcorp Genetics (formerly Invitae), Labcorp
Classification: Uncertain significance for Ehlers-Danlos syndrome, type 4. Last evaluated: 2019-09-09. Review status: criteria provided, single submitter. Criteria: Invitae Variant Classification Sherloc (09022015). Collection method: clinical testing. Allele origin: germline.
Comment: In summary, the available evidence is currently insufficient to determine the role of this variant in disease. Therefore, it has been classified as a Variant of Uncertain Significance. Algorithms developed to predict the effect of missense changes on protein structure and function are either unavailable or do not agree on the potential impact of this missense change (SIFT: "Deleterious"; PolyPhen-2: "Not available"; Align-GVGD: "Class C0"). This variant has not been reported in the literature in individuals with COL3A1-related conditions. This variant is not present in population databases (ExAC no frequency). This sequence change replaces proline with arginine at codon 301 of the COL3A1 protein (p.Pro301Arg). The proline residue is highly conserved and there is a moderate physicochemical difference between proline and arginine.

NM_000090.4(COL3A1):c.902C>G (p.Pro301Arg)

Gene: COL3A1 (collagen type III alpha 1 chain; plus strand). Cytogenetic location: 2q32.2.
Variant type: single nucleotide variant.
Coding change: c.902C>G on transcript NM_000090.4 (MANE Select); coding-DNA position 902, C replaced by G.
Protein change: p.Pro301Arg; replaces proline 301 with arginine.
Molecular consequence: missense variant.
Genome position (GRCh38, 1-based): chr2:188,991,673, C>G. VCF-style: chr2-188991673-C-G. GRCh37 (hg19) VCF-style: chr2-189856399-C-G.
Other names: short protein forms P301R.
Identifiers: ClinVar variation 952100 (VCV000952100.11), dbSNP rs1273313377, ClinGen allele CA349849975.